The following is an entry in ClinVar:

NM_198578.4(LRRK2):c.1615A>C (p.Lys539Gln)

Gene: LRRK2 (leucine rich repeat kinase 2; plus strand). Cytogenetic location: 12q12.
Variant type: single nucleotide variant.
Coding change: c.1615A>C on transcript NM_198578.4 (MANE Select); coding-DNA position 1615, A replaced by C.
Protein change: p.Lys539Gln; replaces lysine 539 with glutamine.
Molecular consequence: missense variant.
Genome position (GRCh38, 1-based): chr12:40,263,860, A>C. VCF-style: chr12-40263860-A-C. GRCh37 (hg19) VCF-style: chr12-40657662-A-C.
Other names: short protein forms K539Q.
Identifiers: ClinVar variation 1776472 (VCV001776472.3), dbSNP rs200634016, ClinGen allele CA235319342.
Genomic context (GRCh38, chr12:40,263,860, plus strand): 5'-GAATCCAGGGAGGATACAGAATTTCATCATAAGCTAAATATGGTTAAAAAACAGTGTTTC[A>C]AGAATGATATTCACAAACTGGTCCTAGCAGCTTTGAACAGGGTATGTTGAATATAAGTTT-3'
Protein context (NP_940980.4, residues 529-549): KLNMVKKQCF[Lys539Gln]NDIHKLVLAA

ClinVar aggregate classification (germline): Uncertain significance (1 of 4 stars; one submission).

Conditions:
Inborn genetic diseases. Identifiers: MedGen C0950123, MeSH D030342.

Allele frequency attached by ClinVar (database versions not stated): gnomAD exomes below 0.00001; gnomAD 0.00001; TOPMed 0.00001.
gnomAD v4.1: 4 of 1,612,954 alleles (0.00025%); highest among the groups gnomAD compares: Non-Finnish European, 0.00034%; no homozygotes.

Submission:

Ambry Genetics
Classification: Uncertain significance for Inborn genetic diseases. Last evaluated: 2024-09-08. Review status: criteria provided, single submitter. Criteria: Ambry Variant Classification Scheme 2023. Collection method: clinical testing. Allele origin: germline.
Comment: The p.K539Q variant (also known as c.1615A>C), located in coding exon 14 of the LRRK2 gene, results from an A to C substitution at nucleotide position 1615. The lysine at codon 539 is replaced by glutamine, an amino acid with similar properties. This amino acid position is conserved. In addition, this alteration is predicted to be tolerated by in silico analysis. Since supporting evidence is limited at this time, the clinical significance of this alteration remains unclear.